The following is an entry in ClinVar:

ClinVar aggregate classification (germline): Uncertain significance (1 of 4 stars; one submission).

Conditions:
Hyperphosphatasia with intellectual disability syndrome 5 (GPIBD11). Also called: GLYCOSYLPHOSPHATIDYLINOSITOL BIOSYNTHESIS DEFECT 11. Identifiers: Orphanet 247262, MedGen C4014958, MONDO:0014457, OMIM 616025.

Allele frequency attached by ClinVar (database versions not stated): gnomAD 0.00002; TOPMed 0.00002; gnomAD exomes 0.00003 and 0.00005; ExAC 0.00009.
gnomAD v4.1: 43 of 1,613,176 alleles (0.0027%); highest among the groups gnomAD compares: Non-Finnish European, 0.0035%; no homozygotes.

Submission:

Labcorp Genetics (formerly Invitae), Labcorp
Classification: Uncertain significance for Hyperphosphatasia with intellectual disability syndrome 5. Last evaluated: 2024-09-06. Review status: criteria provided, single submitter. Criteria: Invitae Variant Classification Sherloc (09022015). Collection method: clinical testing. Allele origin: germline.
Comment: This sequence change replaces leucine, which is neutral and non-polar, with phenylalanine, which is neutral and non-polar, at codon 385 of the PIGW protein (p.Leu385Phe). This variant is present in population databases (no rsID available, gnomAD 0.01%). This variant has not been reported in the literature in individuals affected with PIGW-related conditions. ClinVar contains an entry for this variant (Variation ID: 1398173). Invitae Evidence Modeling of protein sequence and biophysical properties (such as structural, functional, and spatial information, amino acid conservation, physicochemical variation, residue mobility, and thermodynamic stability) indicates that this missense variant is not expected to disrupt PIGW protein function with a negative predictive value of 80%. In summary, the available evidence is currently insufficient to determine the role of this variant in disease. Therefore, it has been classified as a Variant of Uncertain Significance.

NM_001346754.2(PIGW):c.1153C>T (p.Leu385Phe)

Genes: MYO19 (myosin XIX; minus strand), PIGW (phosphatidylinositol glycan anchor biosynthesis class W; plus strand). Cytogenetic location: 17q12.
Variant type: single nucleotide variant.
Coding change: c.1153C>T on transcript NM_001346754.2 (MANE Select); coding-DNA position 1153, C replaced by T.
Protein change: p.Leu385Phe; replaces leucine 385 with phenylalanine.
Molecular consequence: missense variant.
Genome position (GRCh38, 1-based): chr17:36,538,254, C>T. VCF-style: chr17-36538254-C-T. GRCh37 (hg19) VCF-style: chr17-34894103-C-T.
Other names: c.1153C>T, p.Leu385Phe (NM_001346755.2, NM_178517.5); short protein forms L385F.
Identifiers: ClinVar variation 1398173 (VCV001398173.8), dbSNP rs1289299909, ClinGen allele CA399164361.